The following is an entry in ClinVar:

ClinVar aggregate classification (germline): Pathogenic (1 of 4 stars; one submission).

Conditions:
Neurofibromatosis, type 1 (NF1). Also called: Neurofibromatosis, type I; VON RECKLINGHAUSEN DISEASE; Peripheral type neurofibromatosis; NEUROFIBROMATOSIS, TYPE I, SOMATIC. Identifiers: Orphanet 636, MedGen C0027831, MONDO:0018975, OMIM 162200. Disease mechanism: loss of function.

Submission:

Labcorp Genetics (formerly Invitae), Labcorp
Classification: Pathogenic for Neurofibromatosis, type 1. Last evaluated: 2020-01-06. Review status: criteria provided, single submitter. Criteria: Invitae Variant Classification Sherloc (09022015). Collection method: clinical testing. Allele origin: germline.
Comment: This sequence change creates a premature translational stop signal (p.Asn2366Leufs*10) in the NF1 gene. It is expected to result in an absent or disrupted protein product. This variant is not present in population databases (ExAC no frequency). This variant has not been reported in the literature in individuals with NF1-related conditions. Loss-of-function variants in NF1 are known to be pathogenic (PMID: 10712197, 23913538). For these reasons, this variant has been classified as Pathogenic.

NM_001042492.3(NF1):c.7157_7158dup (p.Asn2387fs)

Gene: NF1 (neurofibromin 1; plus strand). Cytogenetic location: 17q11.2.
Variant type: Duplication.
Coding change: c.7157_7158dup on transcript NM_001042492.3 (MANE Select); coding-DNA positions 7157 to 7158, 2 bases duplicated (TT; older notation c.7157_7158dupTT).
Protein change: p.Asn2387fs; shifts the reading frame from asparagine 2387.
Molecular consequence: frameshift variant.
Genome position (GRCh38, 1-based): chr17:31,343,103-31,343,104, TT duplicated; duplicating any 2 consecutive bases within chr17:31,343,102-31,343,104 gives the same sequence; the c. name uses the placement nearest the transcript's 3' end. VCF-style (leftmost placement, unchanged base first): chr17-31343101-C-CTT. GRCh37 (hg19) VCF-style: chr17-29670119-C-CTT.
Other names: c.7094_7095dup, p.Asn2366Leufs (NM_000267.4); short protein forms N2366fs, N2387fs.
Identifiers: ClinVar variation 851908 (VCV000851908.1), dbSNP rs1597851420, ClinGen allele CA916080696.